The following is an entry in ClinVar:

NM_005045.4(RELN):c.4167C>G (p.Ile1389Met)

Gene: RELN (reelin; minus strand). Cytogenetic location: 7q22.1.
Variant type: single nucleotide variant.
Coding change: c.4167C>G on transcript NM_005045.4 (MANE Select); coding-DNA position 4167, C replaced by G.
Protein change: p.Ile1389Met; replaces isoleucine 1389 with methionine.
Molecular consequence: missense variant.
Genome position (GRCh38, 1-based): chr7:103,575,684, G>C on the plus strand (C>G on the coding strand, the complement: RELN is on the minus strand). VCF-style: chr7-103575684-G-C. GRCh37 (hg19) VCF-style: chr7-103216131-G-C.
Other names: c.4167C>G, p.Ile1389Met (NM_173054.3); short protein forms I1389M.
Identifiers: ClinVar variation 432831 (VCV000432831.2), dbSNP rs1554382349, ClinGen allele CA368752635.

ClinVar aggregate classification (germline): Uncertain significance (1 of 4 stars; one submission).

Submission:

GeneDx
Classification: Uncertain significance. Last evaluated: 2017-06-20. Review status: criteria provided, single submitter. Criteria: GeneDx Variant Classification (06012015). Collection method: clinical testing. Allele origin: germline. Affected: yes.
Comment: A variant of uncertain significance has been identified in the RELN gene. The I1389M variant has not been published as a pathogenic variant, nor has it been reported as a benign variant to our knowledge. The I1389M variant is not observed in large population cohorts (Lek et al., 2016; 1000 Genomes Consortium et al., 2015; Exome Variant Server). The I1389M variant is a conservative amino acid substitution, which is not likely to impact secondary protein structure as these residues share similar properties. This substitution occurs at a position where amino acids with similar properties to Isoleucine are tolerated across species. In silico analysis is inconsistent in its predictions as to whether or not the variant is damaging to the protein structure/function. Based on the currently available information, it is unclear whether this variant is a pathogenic variant or a rare benign variant.